The following is an entry in ClinVar:

NM_000501.4(ELN):c.243del (p.Phe82fs)

Gene: ELN (elastin; plus strand). Cytogenetic location: 7q11.23.
Variant type: Deletion.
Coding change: c.243del on transcript NM_000501.4 (MANE Select); coding-DNA position 243, one base deleted (C; older notation c.243delC).
Protein change: p.Phe82fs; shifts the reading frame from phenylalanine 82.
Molecular consequence: frameshift variant.
Genome position (GRCh38, 1-based): chr7:74,042,624, C deleted; the last of 2 consecutive C bases (chr7:74,042,623-74,042,624); deleting either gives the same sequence. VCF-style (leftmost placement, unchanged base first): chr7-74042622-GC-G. GRCh37 (hg19) VCF-style: chr7-73456952-GC-G.
Other names: c.213del, p.Phe72fs (NM_001278914.2, NM_001081752.3, NM_001278917.2 and 1 more transcripts); c.243del, p.Phe82fs (NM_001081753.3, NM_001081754.3, NM_001081755.3 and 4 more transcripts); c.207del, p.Phe70fs (NM_001278913.2); short protein forms F70fs, F72fs, F82fs.
Identifiers: ClinVar variation 4726196 (VCV004726196.1).

ClinVar aggregate classification (germline): Pathogenic (1 of 4 stars; one submission).

Conditions:
Supravalvar aortic stenosis (SVAS). Also called: Supravalvar aortic stenosis, Eisenberg type. Identifiers: Orphanet 3193, MedGen C0003499, MONDO:0008504, OMIM 185500, HP:0004381.

Submission:

Labcorp Genetics (formerly Invitae), Labcorp
Classification: Pathogenic for Supravalvar aortic stenosis. Last evaluated: 2025-08-29. Review status: criteria provided, single submitter. Criteria: Invitae Variant Classification Sherloc (09022015). Collection method: clinical testing. Allele origin: germline.
Comment: This sequence change creates a premature translational stop signal (p.Phe82Serfs*40) in the ELN gene. It is expected to result in an absent or disrupted protein product. Loss-of-function variants in ELN are known to be pathogenic (PMID: 11175284). This variant is not present in population databases (gnomAD no frequency). This variant has not been reported in the literature in individuals affected with ELN-related conditions. For these reasons, this variant has been classified as Pathogenic.

Literature cited by the submitters: PubMed 11175284.